The following is an entry in ClinVar:

ClinVar aggregate classification (germline): Uncertain significance. Review status: criteria provided, multiple submitters, no conflicts (2 of 4 stars). 2 submissions from 2 submitters: Uncertain significance (2). Last evaluated 2025-10-14.

Conditions:
Inborn genetic diseases. Identifiers: MedGen C0950123, MeSH D030342.

Allele frequency attached by ClinVar (database versions not stated): ESP Exome Variant Server 0.00008; gnomAD 0.00010; ExAC 0.00003.

Submissions (2):

Labcorp Genetics (formerly Invitae), Labcorp
Classification: Uncertain significance. Last evaluated: 2025-10-14. Review status: criteria provided, single submitter. Criteria: Invitae Variant Classification Sherloc (09022015). Collection method: clinical testing. Allele origin: germline.
Comment: This sequence change replaces methionine, which is neutral and non-polar, with valine, which is neutral and non-polar, at codon 47 of the RHBDF2 protein (p.Met47Val). This variant is present in population databases (rs367865441, gnomAD 0.02%). This variant has not been reported in the literature in individuals affected with RHBDF2-related conditions. ClinVar contains an entry for this variant (Variation ID: 2594650). An algorithm developed to predict the effect of missense changes on protein structure and function (PolyPhen-2) suggests that this variant is likely to be tolerated. In summary, the available evidence is currently insufficient to determine the role of this variant in disease. Therefore, it has been classified as a Variant of Uncertain Significance.

Ambry Genetics
Classification: Uncertain significance for Inborn genetic diseases. Last evaluated: 2023-08-01. Review status: criteria provided, single submitter. Criteria: Ambry Variant Classification Scheme 2023. Collection method: clinical testing. Allele origin: germline.

NM_001005498.4(RHBDF2):c.139A>G (p.Met47Val)

Gene: RHBDF2 (rhomboid 5 homolog 2; minus strand). Cytogenetic location: 17q25.1.
Variant type: single nucleotide variant.
Coding change: c.139A>G on transcript NM_001005498.4 (MANE Select); coding-DNA position 139, A replaced by G.
Protein change: p.Met47Val; replaces methionine 47 with valine.
Molecular consequence: missense variant. On other transcripts: non-coding transcript variant (3).
Genome position (GRCh38, 1-based): chr17:76,481,386, T>C on the plus strand (A>G on the coding strand, the complement: RHBDF2 is on the minus strand). VCF-style: chr17-76481386-T-C. GRCh37 (hg19) VCF-style: chr17-74477468-T-C.
Other names: c.139A>G, p.Met47Val (NM_001376228.1, NM_001376229.1, NM_001376230.1 and 1 more transcripts); short protein forms M47V.
Identifiers: ClinVar variation 2594650 (VCV002594650.5), dbSNP rs367865441, ClinGen allele CA8787491.